The following is an entry in ClinVar:

ClinVar aggregate classification (germline): Conflicting classifications of pathogenicity. Review status: criteria provided, conflicting classifications (1 of 4 stars). 2 submissions from 2 submitters: Uncertain significance (1); Likely benign (1). Last evaluated 2026-03-13.

Conditions:
BEST1-related disorder. Also called: BEST1-related disorders; BEST1-related condition. Identifiers: MedGen CN239200.

gnomAD v4.1: 80 of 1,468,240 alleles (0.0054%); highest among the groups gnomAD compares: Admixed American, 0.039%; no homozygotes.

Submissions (2):

PreventionGenetics, part of Exact Sciences
Classification: Uncertain significance for BEST1-related condition. Last evaluated: 2026-03-13. Review status: criteria provided, single submitter. Criteria: ACMG Guidelines, 2015. Collection method: clinical testing. Allele origin: germline.
Comment: The BEST1 c.1061G>A variant is predicted to result in the amino acid substitution p.Arg354Gln. To our knowledge, this variant has not been reported in the literature. This variant is reported in 0.063% of alleles in individuals of Latino descent in gnomAD, which may be too frequent to be a primary cause of disease. Although we suspect that this variant may be benign, at this time, the clinical significance of this variant is uncertain due to the absence of conclusive functional and genetic evidence.

Blueprint Genetics
Classification: Likely benign. Last evaluated: 2023-01-24. Review status: criteria provided, single submitter. Criteria: ACMG Guidelines, 2015. Collection method: clinical testing. Allele origin: germline.

NM_004183.4(BEST1):c.867+194G>A

Gene: BEST1 (bestrophin 1; plus strand). Cytogenetic location: 11q12.3.
Variant type: single nucleotide variant.
Coding change: c.867+194G>A on transcript NM_004183.4 (MANE Select); 194 bases into the intron after coding-DNA position 867, G replaced by A.
Molecular consequence: intron variant. On other transcripts: missense variant (1), 5 prime UTR variant (1), non-coding transcript variant (1).
Genome position (GRCh38, 1-based): chr11:61,958,492, G>A. VCF-style: chr11-61958492-G-A. GRCh37 (hg19) VCF-style: chr11-61725964-G-A.
Other names: c.1061G>A, p.Arg354Gln (NM_001363592.2); c.-115G>A (NM_001363593.3); c.867+194G>A (NM_001440571.1, NM_001440572.1); c.715-1006G>A (NM_001440573.1); c.687+194G>A (NM_001139443.3, NM_001300787.2, NM_001440574.1 and 1 more transcripts); c.535-1006G>A (NM_001440575.1); c.534+1028G>A (NM_001440576.1); c.549+194G>A (NM_001363591.3); and 1 more; short protein forms R354Q.
Identifiers: ClinVar variation 4911958 (VCV004911958.2).
Genomic context (GRCh38, chr11:61,958,492, plus strand): 5'-CACCTGTAATCCCAGCTACTCGGGAGGCTGAGGCAGGAGAATCGCTTGAACCCGGGAGGC[G>A]GAGGTTGTGGTGAGTTGAGATCGTGCCACTGCACTCCAGCCTGGGCAAAAGAATGAAACT-3'